The following is an entry in ClinVar:

ClinVar aggregate classification (germline): Pathogenic (1 of 4 stars; one submission).

Conditions:
Early-onset myopathy with fatal cardiomyopathy (CMYO5). Also called: Salih Myopathy; CONGENITAL MYOPATHY 5 WITH CARDIOMYOPATHY. Identifiers: Orphanet 289377, MedGen C2673677, MONDO:0012714, OMIM 611705. Disease mechanism: loss of function.

Submission:

Mendelics
Classification: Pathogenic for Early-onset myopathy with fatal cardiomyopathy. Last evaluated: 2026-03-05. Review status: criteria provided, single submitter. Criteria: ACMG Guidelines, 2015. Collection method: clinical testing. Allele origin: unknown.
Comment: Likely pathogenic/Pathogenic according to ACMG criteria.

NM_001267550.2(TTN):c.92790_92812del (p.Asn30930fs)

Genes: TTN (titin; minus strand), TTN-AS1 (TTN antisense RNA 1; plus strand). Cytogenetic location: 2q31.2.
Variant type: Deletion.
Coding change: c.92790_92812del on transcript NM_001267550.2 (MANE Select); coding-DNA positions 92790 to 92812, 23 bases deleted (CTTCAAACAGACTCATGTTGTTA).
Protein change: p.Asn30930fs; shifts the reading frame from asparagine 30930.
Molecular consequence: frameshift variant.
Genome position (GRCh38, 1-based): chr2:178,548,814-178,548,836, TAACAACATGAGTCTGTTTGAAG deleted on the plus strand (CTTCAAACAGACTCATGTTGTTA on the coding strand, the reverse complement: TTN is on the minus strand); deleting any 23 consecutive bases within chr2:178,548,814-178,548,837 gives the same sequence; the c. name uses the placement nearest the transcript's 3' end. VCF-style (leftmost placement, unchanged base first): chr2-178548813-CTAACAACATGAGTCTGTTTGAAG-C. GRCh37 (hg19) VCF-style: chr2-179413540-CTAACAACATGAGTCTGTTTGAAG-C.
Other names: c.87867_87889del, p.Asn29289fs (NM_001256850.1); c.65595_65617del, p.Asn21865fs (NM_003319.4); c.85086_85108del, p.Asn28362fs (NM_133378.4); c.65970_65992del, p.Asn21990fs (NM_133432.3); c.66171_66193del, p.Asn22057fs (NM_133437.4); short protein forms N21865fs, N21990fs, N22057fs, N28362fs, N29289fs, N30930fs.
Identifiers: ClinVar variation 4813585 (VCV004813585.1).
Genomic context (GRCh38, chr2:178,548,813, plus strand): 5'-ACAGCTGTAGGAGTAGGTCTACCTTGGTAGGCAATGAAGAGGCGAATACTGGCCCCAGCT[CTAACAACATGAGTCTGTTTGAAG>C]TTTGCATCTATGTCTAACTCAGGAGCTGTTAACCGGTCAACTGCTTTAATTGTGCCAGTC-3'